The following is an entry in ClinVar:

ClinVar aggregate classification (germline): Uncertain significance. Review status: criteria provided, multiple submitters, no conflicts (2 of 4 stars). 2 submissions from 2 submitters: Uncertain significance (2). Last evaluated 2025-07-24.

Conditions:
Familial thoracic aortic aneurysm and aortic dissection (TAAD). Also called: Thoracic aortic aneurysms and dissections. Identifiers: Orphanet 91387, MedGen C4707243, MONDO:0019625.

Submissions (2):

Labcorp Genetics (formerly Invitae), Labcorp
Classification: Uncertain significance for Familial thoracic aortic aneurysm and aortic dissection. Last evaluated: 2025-07-24. Review status: criteria provided, single submitter. Criteria: Invitae Variant Classification Sherloc (09022015). Collection method: clinical testing. Allele origin: germline.
Comment: This sequence change falls in intron 4 of the TGFBR1 gene. It does not directly change the encoded amino acid sequence of the TGFBR1 protein. This variant is not present in population databases (gnomAD no frequency). This variant has not been reported in the literature in individuals affected with TGFBR1-related conditions. ClinVar contains an entry for this variant (Variation ID: 1098813). Algorithms developed to predict the effect of sequence changes on RNA splicing suggest that this variant may disrupt the consensus splice site. In summary, the available evidence is currently insufficient to determine the role of this variant in disease. Therefore, it has been classified as a Variant of Uncertain Significance.

Women's Health and Genetics/Laboratory Corporation of America, LabCorp
Classification: Uncertain significance. Last evaluated: 2021-04-26. Review status: criteria provided, single submitter. Criteria: LabCorp Variant Classification Summary - May 2015. Collection method: clinical testing. Allele origin: germline.
Comment: Variant summary: TGFBR1 c.806-15_806-7delAATTCTGTT alters a nucleotide located close to a canonical splice site and therefore could affect mRNA splicing, leading to a significantly altered protein sequence. Several computational tools predict a significant impact on normal splicing: Two predict the variant abolishes a 3' acceptor site. Two predict the variant weakens a 3' acceptor site. However, these predictions have yet to be confirmed by functional studies. The variant was absent in 251188 control chromosomes (gnomAD). The available data on variant occurrences in the general population are insufficient to allow any conclusion about variant significance. To our knowledge, no occurrence of c.806-15_806-7delAATTCTGTT in individuals affected with Loeys-Dietz Syndrome and no experimental evidence demonstrating its impact on protein function have been reported. No clinical diagnostic laboratories have submitted clinical-significance assessments for this variant to ClinVar after 2014. Based on the evidence outlined above, the variant was classified as uncertain significance.

NM_004612.4(TGFBR1):c.806-15_806-7del

Gene: TGFBR1 (transforming growth factor beta receptor 1; plus strand). Cytogenetic location: 9q22.33.
Variant type: Deletion.
Coding change: c.806-15_806-7del on transcript NM_004612.4 (MANE Select); 15 bases into the intron before coding-DNA position 806 through 7 bases into the intron before coding-DNA position 806, 9 bases deleted (AATTCTGTT; older notation c.806-15_806-7delAATTCTGTT).
Molecular consequence: intron variant.
Genome position (GRCh38, 1-based): chr9:99,142,521-99,142,529, AATTCTGTT deleted; deleting any 9 consecutive bases within chr9:99,142,517-99,142,529 gives the same sequence; the c. name uses the placement nearest the transcript's 3' end. VCF-style (leftmost placement, unchanged base first): chr9-99142516-ATGTTAATTC-A. GRCh37 (hg19) VCF-style: chr9-101904798-ATGTTAATTC-A.
Other names: c.818-15_818-7del (NM_001306210.2); c.575-15_575-7del (NM_001130916.3).
Identifiers: ClinVar variation 1098813 (VCV001098813.2), dbSNP rs2118776036, ClinGen allele CA2499220110.